The following is an entry in ClinVar:

NM_006073.4(TRDN):c.1471G>C (p.Glu491Gln)

Gene: TRDN (triadin; minus strand). Cytogenetic location: 6q22.31.
Variant type: single nucleotide variant.
Coding change: c.1471G>C on transcript NM_006073.4 (MANE Select); coding-DNA position 1471, G replaced by C.
Protein change: p.Glu491Gln; replaces glutamic acid 491 with glutamine.
Molecular consequence: missense variant.
Genome position (GRCh38, 1-based): chr6:123,331,879, C>G on the plus strand (G>C on the coding strand, the complement: TRDN is on the minus strand). VCF-style: chr6-123331879-C-G. GRCh37 (hg19) VCF-style: chr6-123653024-C-G.
Other names: c.1471G>C (NM_006073.2); short protein forms E491Q.
Identifiers: ClinVar variation 2088462 (VCV002088462.2), dbSNP rs1779672745, ClinGen allele CA365563862.

ClinVar aggregate classification (germline): Uncertain significance. Review status: criteria provided, multiple submitters, no conflicts (2 of 4 stars). 2 submissions from 2 submitters: Uncertain significance (2). Last evaluated 2025-11-12.

Conditions:
Cardiovascular phenotype. Identifiers: MedGen CN230736.
Catecholaminergic polymorphic ventricular tachycardia 1. Also called: RYR2-Related Catecholaminergic Polymorphic Ventricular Tachycardia; VENTRICULAR TACHYCARDIA, STRESS-INDUCED POLYMORPHIC 1; VENTRICULAR TACHYCARDIA, CATECHOLAMINERGIC POLYMORPHIC, 1, WITH OR WITHOUT ATRIAL DYSFUNCTION AND/OR DILATED CARDIOMYOPATHY. Identifiers: Orphanet 3286, MedGen C1631597, MONDO:0011484, OMIM 604772.

Allele frequency attached by ClinVar (database versions not stated): gnomAD 0.00001.
gnomAD v4.1: 1 of 1,538,510 alleles (0.000065%); highest among the groups gnomAD compares: African/African-American, 0.0014%; no homozygotes.

Submissions (2):

Ambry Genetics
Classification: Uncertain significance for Cardiovascular phenotype. Last evaluated: 2025-11-12. Review status: criteria provided, single submitter. Criteria: Ambry Variant Classification Scheme 2023. Collection method: clinical testing. Allele origin: germline.
Comment: The p.E491Q variant (also known as c.1471G>C), located in coding exon 23 of the TRDN gene, results from a G to C substitution at nucleotide position 1471. The amino acid change results in glutamic acid to glutamine at codon 491, an amino acid with highly similar properties. However, this change occurs in the last base pair of coding exon 23, which makes it likely to have some effect on normal mRNA splicing. This nucleotide position is well conserved in available vertebrate species. This amino acid position is not well conserved in available vertebrate species. In silico splice site analysis predicts that this alteration will weaken the native splice donor site. In addition, as a missense substitution, this alteration is predicted to be tolerated by in silico analysis. Based on the available evidence, the clinical significance of this variant remains unclear.

Labcorp Genetics (formerly Invitae), Labcorp
Classification: Uncertain significance for Catecholaminergic polymorphic ventricular tachycardia 1. Last evaluated: 2022-05-02. Review status: criteria provided, single submitter. Criteria: Invitae Variant Classification Sherloc (09022015). Collection method: clinical testing. Allele origin: germline.
Comment: This sequence change replaces glutamic acid, which is acidic and polar, with glutamine, which is neutral and polar, at codon 491 of the TRDN protein (p.Glu491Gln). This variant also falls at the last nucleotide of exon 23, which is part of the consensus splice site for this exon. This variant is not present in population databases (gnomAD no frequency). This variant has not been reported in the literature in individuals affected with TRDN-related conditions. Algorithms developed to predict the effect of missense changes on protein structure and function are either unavailable or do not agree on the potential impact of this missense change (SIFT: "Deleterious"; PolyPhen-2: "Benign"; Align-GVGD: "Class C0"). Variants that disrupt the consensus splice site are a relatively common cause of aberrant splicing (PMID: 17576681, 9536098). Algorithms developed to predict the effect of sequence changes on RNA splicing suggest that this variant may disrupt the consensus splice site. In summary, the available evidence is currently insufficient to determine the role of this variant in disease. Therefore, it has been classified as a Variant of Uncertain Significance.

Literature cited by the submitters: PubMed 17576681 (cited by Labcorp Genetics (formerly Invitae), Labcorp); PubMed 9536098 (cited by Labcorp Genetics (formerly Invitae), Labcorp).